The following is an entry in ClinVar:

ClinVar aggregate classification (germline): Conflicting classifications of pathogenicity. Review status: criteria provided, conflicting classifications (1 of 4 stars). 2 submissions from 2 submitters: Uncertain significance (1); Likely benign (1). Last evaluated 2024-12-23.

Conditions:
Encephalopathy, acute, infection-induced (herpes-specific), susceptibility to, 6. Also called: Herpes simplex encephalitis, susceptibility to, 4. Identifiers: Orphanet 1930, MedGen C3553869, MONDO:0013921, OMIM 614850.

Allele frequency attached by ClinVar (database versions not stated): ExAC 0.00002; gnomAD exomes 0.00001; TOPMed 0.00001; gnomAD 0.00002.

Submissions (2):

Ambry Genetics
Classification: Likely benign. Last evaluated: 2024-12-23. Review status: criteria provided, single submitter. Criteria: Ambry Variant Classification Scheme 2023. Collection method: clinical testing. Allele origin: germline.

Labcorp Genetics (formerly Invitae), Labcorp
Classification: Uncertain significance for Encephalopathy, acute, infection-induced (herpes-specific), susceptibility to, 6. Last evaluated: 2022-03-19. Review status: criteria provided, single submitter. Criteria: Invitae Variant Classification Sherloc (09022015). Collection method: clinical testing. Allele origin: germline.
Comment: This variant has not been reported in the literature in individuals affected with TICAM1-related conditions. The frequency data for this variant in the population databases is considered unreliable, as metrics indicate poor data quality at this position in the gnomAD database. This sequence change replaces glutamine, which is neutral and polar, with arginine, which is basic and polar, at codon 119 of the TICAM1 protein (p.Gln119Arg). Algorithms developed to predict the effect of missense changes on protein structure and function output the following: SIFT: "Tolerated"; PolyPhen-2: "Benign"; Align-GVGD: "Class C0". The arginine amino acid residue is found in multiple mammalian species, which suggests that this missense change does not adversely affect protein function. In summary, the available evidence is currently insufficient to determine the role of this variant in disease. Therefore, it has been classified as a Variant of Uncertain Significance.

NM_182919.4(TICAM1):c.356A>G (p.Gln119Arg)

Gene: TICAM1 (TIR domain containing adaptor molecule 1; minus strand). Cytogenetic location: 19p13.3.
Variant type: single nucleotide variant.
Coding change: c.356A>G on transcript NM_182919.4 (MANE Select); coding-DNA position 356, A replaced by G.
Protein change: p.Gln119Arg; replaces glutamine 119 with arginine.
Molecular consequence: missense variant. On other transcripts: intron variant (1).
Genome position (GRCh38, 1-based): chr19:4,818,022, T>C on the plus strand (A>G on the coding strand, the complement: TICAM1 is on the minus strand). VCF-style: chr19-4818022-T-C. GRCh37 (hg19) VCF-style: chr19-4818034-T-C.
Other names: c.314A>G, p.Gln105Arg (NM_001385678.1); c.221A>G, p.Gln74Arg (NM_001385679.1); c.-71-216A>G (NM_001385680.1); c.356A>G (NM_182919.2); short protein forms Q74R, Q105R, Q119R.
Identifiers: ClinVar variation 1414486 (VCV001414486.7), dbSNP rs765891838, ClinGen allele CA9105375.